The following is an entry in ClinVar:

NM_006440.5(TXNRD2):c.196G>T (p.Ala66Ser)

Gene: TXNRD2 (thioredoxin reductase 2; minus strand). Cytogenetic location: 22q11.21.
Variant type: single nucleotide variant.
Coding change: c.196G>T on transcript NM_006440.5 (MANE Select); coding-DNA position 196, G replaced by T.
Protein change: p.Ala66Ser; replaces alanine 66 with serine.
Molecular consequence: missense variant. On other transcripts: 5 prime UTR variant (1).
Genome position (GRCh38, 1-based): chr22:19,919,576, C>A on the plus strand (G>T on the coding strand, the complement: TXNRD2 is on the minus strand). VCF-style: chr22-19919576-C-A. GRCh37 (hg19) VCF-style: chr22-19907099-C-A.
Other names: c.196G>T, p.Ala66Ser (NM_001282512.3); c.193G>T, p.Ala65Ser (NM_001352300.2); c.106G>T, p.Ala36Ser (NM_001352301.2); c.-93G>T (NM_001352302.2); c.100G>T, p.Ala34Ser (NM_001352303.2); short protein forms A66S, A34S, A65S, A36S.
Identifiers: ClinVar variation 263343 (VCV000263343.16), dbSNP rs5748469, ClinGen allele CA10104304.

ClinVar aggregate classification (germline): Benign. Review status: criteria provided, multiple submitters, no conflicts (2 of 4 stars). 5 submissions from 5 submitters: Benign (5). Last evaluated 2026-02-04.

Conditions:
Glucocorticoid deficiency 5. Identifiers: MedGen C4540522, MONDO:0040502, OMIM 617825.
Cardiovascular phenotype. Identifiers: MedGen CN230736.
Primary dilated cardiomyopathy (DCM). Also called: Dilated Cardiomyopathy. Identifiers: Orphanet 217604, MedGen C0007193, MeSH D002311, MONDO:0005021, HP:0001644. Inheritance: Various modes of inheritance.

Allele frequency attached by ClinVar (database versions not stated): ESP Exome Variant Server 0.29557; gnomAD 0.35646 and 0.36954; TOPMed 0.37004; gnomAD exomes 0.38367 and 0.44872; ExAC 0.44449; 1000 Genomes Project 30x 0.47220; 1000 Genomes Project 0.48303.
gnomAD v4.1: 597,938 of 1,560,344 alleles (38%); highest among the groups gnomAD compares: East Asian, 85%; 123,999 homozygotes.

Submissions (5):

Labcorp Genetics (formerly Invitae), Labcorp
Classification: Benign for Primary dilated cardiomyopathy. Last evaluated: 2026-02-04. Review status: criteria provided, single submitter. Criteria: Invitae Variant Classification Sherloc (09022015). Collection method: clinical testing. Allele origin: germline.

Genome-Nilou Lab
Classification: Benign for Glucocorticoid deficiency 5. Last evaluated: 2021-12-05. Review status: criteria provided, single submitter. Criteria: ACMG Guidelines, 2015. Collection method: clinical testing. Allele origin: germline. Affected: no.

GeneDx
Classification: Benign. Last evaluated: 2016-09-23. Review status: criteria provided, single submitter. Criteria: GeneDx Variant Classification (06012015). Collection method: clinical testing. Allele origin: germline. Affected: yes.
Comment: This variant is considered likely benign or benign based on one or more of the following criteria: it is a conservative change, it occurs at a poorly conserved position in the protein, it is predicted to be benign by multiple in silico algorithms, and/or has population frequency not consistent with disease.

Ambry Genetics
Classification: Benign for Cardiovascular phenotype. Last evaluated: 2015-03-11. Review status: criteria provided, single submitter. Criteria: Ambry Variant Classification Scheme 2023. Collection method: clinical testing. Allele origin: germline.

Breakthrough Genomics
Classification: Benign. Review status: criteria provided, single submitter. Criteria: ACMG Guidelines, 2015. Collection method: not provided. Allele origin: germline. Inheritance: Autosomal recessive inheritance. Affected: yes.